The following is an entry in ClinVar:

ClinVar aggregate classification (germline): Uncertain significance. Review status: criteria provided, multiple submitters, no conflicts (2 of 4 stars). 2 submissions from 2 submitters: Uncertain significance (2). Last evaluated 2022-05-10.

Conditions:
DICER1-related tumor predisposition. Also called: DICER1 syndrome; DICER1-related pleuropulmonary blastoma cancer predisposition syndrome. Identifiers: Orphanet 284343, MedGen C3839822, MONDO:0100216.
Hereditary cancer-predisposing syndrome. Also called: Hereditary neoplastic syndrome; Neoplastic Syndromes, Hereditary; Tumor predisposition; Hereditary Cancer Syndrome. Identifiers: Orphanet 140162, MedGen C0027672, MeSH D009386, MONDO:0015356.

Submissions (2):

Ambry Genetics
Classification: Uncertain significance for Hereditary cancer-predisposing syndrome. Last evaluated: 2022-05-10. Review status: criteria provided, single submitter. Criteria: Ambry Variant Classification Scheme 2023. Collection method: clinical testing. Allele origin: germline.
Comment: The p.T798S variant (also known as c.2392A>T), located in coding exon 14 of the DICER1 gene, results from an A to T substitution at nucleotide position 2392. The threonine at codon 798 is replaced by serine, an amino acid with similar properties. This amino acid position is conserved. In addition, the in silico prediction for this alteration is inconclusive. Since supporting evidence is limited at this time, the clinical significance of this alteration remains unclear.

Labcorp Genetics (formerly Invitae), Labcorp
Classification: Uncertain significance for DICER1-related tumor predisposition. Last evaluated: 2020-01-23. Review status: criteria provided, single submitter. Criteria: Invitae Variant Classification Sherloc (09022015). Collection method: clinical testing. Allele origin: germline.
Comment: This sequence change replaces threonine with serine at codon 798 of the DICER1 protein (p.Thr798Ser). The threonine residue is highly conserved and there is a small physicochemical difference between threonine and serine. This variant is not present in population databases (ExAC no frequency). This variant has not been reported in the literature in individuals with DICER1-related conditions. Algorithms developed to predict the effect of missense changes on protein structure and function are either unavailable or do not agree on the potential impact of this missense change (SIFT: "Tolerated"; PolyPhen-2: "Probably Damaging"; Align-GVGD: "Class C0"). In summary, the available evidence is currently insufficient to determine the role of this variant in disease. Therefore, it has been classified as a Variant of Uncertain Significance.

NM_177438.3(DICER1):c.2392A>T (p.Thr798Ser)

Gene: DICER1 (dicer 1, ribonuclease III; minus strand). Cytogenetic location: 14q32.13.
Variant type: single nucleotide variant.
Coding change: c.2392A>T on transcript NM_177438.3 (MANE Select); coding-DNA position 2392, A replaced by T.
Protein change: p.Thr798Ser; replaces threonine 798 with serine.
Molecular consequence: missense variant.
Genome position (GRCh38, 1-based): chr14:95,108,368, T>A on the plus strand (A>T on the coding strand, the complement: DICER1 is on the minus strand). VCF-style: chr14-95108368-T-A. GRCh37 (hg19) VCF-style: chr14-95574705-T-A.
Other names: c.2392A>T, p.Thr798Ser (NM_001195573.1, NM_001271282.3, NM_001291628.2 and 1 more transcripts); short protein forms T798S.
Identifiers: ClinVar variation 1042119 (VCV001042119.12), dbSNP rs1191387730, ClinGen allele CA390882140.